The following is an entry in ClinVar:

NM_004281.4(BAG3):c.1579dup (p.Met527fs)

Gene: BAG3 (BAG cochaperone 3; plus strand). Cytogenetic location: 10q26.11.
Variant type: Duplication.
Coding change: c.1579dup on transcript NM_004281.4 (MANE Select); coding-DNA position 1579, one base duplicated (A; older notation c.1579dupA).
Protein change: p.Met527fs; shifts the reading frame from methionine 527.
Molecular consequence: frameshift variant.
Genome position (GRCh38, 1-based): chr10:119,677,133, A duplicated. VCF-style (leftmost placement, unchanged base first): chr10-119677132-G-GA. GRCh37 (hg19) VCF-style: chr10-121436644-G-GA.
Other names: c.1579dupA (NM_004281.3); short protein forms M527fs.
Identifiers: ClinVar variation 3223770 (VCV003223770.1), dbSNP rs2494024613, ClinGen allele CA2825001685.

ClinVar aggregate classification (germline): Uncertain significance (1 of 4 stars; one submission).

Conditions:
Cardiovascular phenotype. Identifiers: MedGen CN230736.

Submission:

Ambry Genetics
Classification: Uncertain significance for Cardiovascular phenotype. Last evaluated: 2023-09-20. Review status: criteria provided, single submitter. Criteria: Ambry Variant Classification Scheme 2023. Collection method: clinical testing. Allele origin: germline.
Comment: The c.1579dupA variant, located in coding exon 4 of the BAG3 gene, results from a duplication of A at nucleotide position 1579, causing a translational frameshift with a predicted alternate stop codon (p.M527Nfs*45). This alteration occurs at the 3' terminus of theBAG3 gene, is not expected to trigger nonsense-mediated mRNAdecay, and only impacts the last 49 amino acids (8.5%) of the protein. The exact functional effect of this alteration is unknown. Since supporting evidence is limited at this time, the clinical significance of this alteration remains unclear.